The following is an entry in ClinVar:

NM_000093.5(COL5A1):c.1006G>A (p.Gly336Arg)

Gene: COL5A1 (collagen type V alpha 1 chain; plus strand). Cytogenetic location: 9q34.3.
Variant type: single nucleotide variant.
Coding change: c.1006G>A on transcript NM_000093.5 (MANE Select); coding-DNA position 1006, G replaced by A.
Protein change: p.Gly336Arg; replaces glycine 336 with arginine.
Molecular consequence: missense variant.
Genome position (GRCh38, 1-based): chr9:134,730,317, G>A. VCF-style: chr9-134730317-G-A. GRCh37 (hg19) VCF-style: chr9-137622163-G-A.
Other names: c.1006G>A, p.Gly336Arg (NM_001278074.1); c.1006G>A (NM_000093.3); short protein forms G336R.
Identifiers: ClinVar variation 2041763 (VCV002041763.30), dbSNP rs201045766, ClinGen allele CA5318617.

ClinVar aggregate classification (germline): Likely benign. Review status: criteria provided, multiple submitters, no conflicts (2 of 4 stars). 3 submissions from 3 submitters: Likely benign (3). Last evaluated 2025-07-21.

Conditions:
Familial thoracic aortic aneurysm and aortic dissection (TAAD). Also called: Thoracic aortic aneurysms and dissections. Identifiers: Orphanet 91387, MedGen C4707243, MONDO:0019625.
Ehlers-Danlos syndrome, classic type, 1 (EDSCL1). Also called: Ehlers-Danlos Syndrome, Classic Type, COL5A1-Related; EHLERS-DANLOS SYNDROME, GRAVIS TYPE; EHLERS-DANLOS SYNDROME, SEVERE CLASSIC TYPE; EDS I; Ehlers-Danlos syndrome, type 1. Identifiers: MedGen C0268335, MONDO:0019567, OMIM 130000.

Allele frequency attached by ClinVar (database versions not stated): gnomAD exomes 0.00002; ExAC 0.00004; ESP Exome Variant Server 0.00008; TOPMed 0.00014; gnomAD 0.00019; 1000 Genomes Project 0.00060; 1000 Genomes Project 30x 0.00062.

Submissions (3):

Labcorp Genetics (formerly Invitae), Labcorp
Classification: Likely benign for Ehlers-Danlos syndrome, classic type, 1. Last evaluated: 2025-07-21. Review status: criteria provided, single submitter. Criteria: Invitae Variant Classification Sherloc (09022015). Collection method: clinical testing. Allele origin: germline.

Ambry Genetics
Classification: Likely benign for Familial thoracic aortic aneurysm and aortic dissection. Last evaluated: 2025-01-21. Review status: criteria provided, single submitter. Criteria: Ambry Variant Classification Scheme 2023. Collection method: clinical testing. Allele origin: germline.

CeGaT Center for Human Genetics Tuebingen
Classification: Likely benign. Last evaluated: 2023-09-01. Review status: criteria provided, single submitter. Criteria: CeGaT Center For Human Genetics Tuebingen Variant Classification Criteria Version 2. Collection method: clinical testing. Allele origin: germline. Affected: yes. Observed: 1 variant allele.
Comment: COL5A1: BP4